The following is an entry in ClinVar:

ClinVar aggregate classification (germline): Uncertain significance. Review status: criteria provided, multiple submitters, no conflicts (2 of 4 stars). 3 submissions from 3 submitters: Uncertain significance (3). Last evaluated 2024-08-27.

Conditions:
Hereditary cancer-predisposing syndrome. Also called: Tumor predisposition; Neoplastic Syndromes, Hereditary; Hereditary neoplastic syndrome; Hereditary Cancer Syndrome. Identifiers: Orphanet 140162, MedGen C0027672, MeSH D009386, MONDO:0015356.
Familial cancer of breast. Also called: BREAST CANCER, FAMILIAL; hereditary breast carcinoma; Hereditary breast cancer. Identifiers: Orphanet 227535, MedGen C0346153, MONDO:0016419, OMIM 114480. Disease mechanism: loss of function.

Allele frequency attached by ClinVar (database versions not stated): gnomAD exomes below 0.00001.
gnomAD v4.1: 1 of 1,610,824 alleles (0.000062%); highest among the groups gnomAD compares: Non-Finnish European, 0.000085%; no homozygotes.

Submissions (3):

Ambry Genetics
Classification: Uncertain significance for Hereditary cancer-predisposing syndrome. Last evaluated: 2024-08-27. Review status: criteria provided, single submitter. Criteria: Ambry Variant Classification Scheme 2023. Collection method: clinical testing. Allele origin: germline.
Comment: The p.A35V variant (also known as c.104C>T), located in coding exon 1 of the BARD1 gene, results from a C to T substitution at nucleotide position 104. The alanine at codon 35 is replaced by valine, an amino acid with similar properties. This amino acid position is not well conserved in available vertebrate species. In addition, this alteration is predicted to be tolerated by in silico analysis. Based on the available evidence, the clinical significance of this variant remains unclear.

Labcorp Genetics (formerly Invitae), Labcorp
Classification: Uncertain significance for Familial cancer of breast. Last evaluated: 2024-07-30. Review status: criteria provided, single submitter. Criteria: Invitae Variant Classification Sherloc (09022015). Collection method: clinical testing. Allele origin: germline.
Comment: This sequence change replaces alanine, which is neutral and non-polar, with valine, which is neutral and non-polar, at codon 35 of the BARD1 protein (p.Ala35Val). This variant is not present in population databases (gnomAD no frequency). This variant has not been reported in the literature in individuals affected with BARD1-related conditions. ClinVar contains an entry for this variant (Variation ID: 187330). An algorithm developed to predict the effect of missense changes on protein structure and function (PolyPhen-2) suggests that this variant is likely to be disruptive. In summary, the available evidence is currently insufficient to determine the role of this variant in disease. Therefore, it has been classified as a Variant of Uncertain Significance.

Blueprint Genetics
Classification: Uncertain significance. Last evaluated: 2023-09-28. Review status: criteria provided, single submitter. Criteria: ACMG Guidelines, 2015. Collection method: clinical testing. Allele origin: germline.

NM_000465.4(BARD1):c.104C>T (p.Ala35Val)

Gene: BARD1 (BRCA1 associated RING domain 1; minus strand). Cytogenetic location: 2q35.
Variant type: single nucleotide variant.
Coding change: c.104C>T on transcript NM_000465.4 (MANE Select); coding-DNA position 104, C replaced by T.
Protein change: p.Ala35Val; replaces alanine 35 with valine.
Molecular consequence: missense variant. On other transcripts: non-coding transcript variant (3).
Genome position (GRCh38, 1-based): chr2:214,809,466, G>A on the plus strand (C>T on the coding strand, the complement: BARD1 is on the minus strand). VCF-style: chr2-214809466-G-A. GRCh37 (hg19) VCF-style: chr2-215674190-G-A.
Other names: c.104C>T, p.Ala35Val (NM_001282543.2, NM_001282545.2, NM_001282548.2 and 1 more transcripts); short protein forms A35V.
Identifiers: ClinVar variation 187330 (VCV000187330.17), dbSNP rs786203646, ClinGen allele CA197370.
Genomic context (GRCh38, chr2:214,809,466, plus strand): 5'-CTTTACCAACGCGAGCAGCGCAGCAGCTTCTCCAGGCGGTCGAGCGCGGCGCGACTGTGG[G>A]CCCAGGCACCGCGACCATCCGGTTCCATGGCGGGCGCGGAACGAGGCTCGTTCCCGGAGC-3'
Protein context (NP_000456.2, residues 25-45): AMEPDGRGAW[Ala35Val]HSRAALDRLE